The following is an entry in ClinVar:

NM_001123385.2(BCOR):c.520G>A (p.Asp174Asn)

Genes: BCOR (BCL6 corepressor; minus strand), LOC126863239 (MED14-independent group 3 enhancer GRCh37_chrX:39932994-39934193; plus strand). Cytogenetic location: Xp11.4.
Variant type: single nucleotide variant.
Coding change: c.520G>A on transcript NM_001123385.2 (MANE Select); coding-DNA position 520, G replaced by A.
Protein change: p.Asp174Asn; replaces aspartic acid 174 with asparagine.
Molecular consequence: missense variant.
Genome position (GRCh38, 1-based): chrX:40,074,826, C>T on the plus strand (G>A on the coding strand, the complement: BCOR is on the minus strand). VCF-style: chrX-40074826-C-T. GRCh37 (hg19) VCF-style: chrX-39934079-C-T.
Other names: c.520G>A, p.Asp174Asn (NM_001123383.2, NM_001123384.2, NM_017745.6); short protein forms D174N.
Identifiers: ClinVar variation 579931 (VCV000579931.11), dbSNP rs933611569, ClinGen allele CA327994183.
Genomic context (GRCh38, chrX:40,074,826, plus strand): 5'-GATTGACCCAGGGCAGCCGCAGATAACTAGCACCATTGATGTTGAGAGGGCTCTGTTTGT[C>T]GCTGGCAGGCCTGTCCAAGCCCAGCGCTTCTGCTGTGGCTACAGCACTTTTTTGTATTCC-3'
Protein context (NP_001116857.1, residues 164-184): EALGLDRPAS[Asp174Asn]KQSPLNINGA

ClinVar aggregate classification (germline): Uncertain significance. Review status: criteria provided, multiple submitters, no conflicts (2 of 4 stars). 2 submissions from 2 submitters: Uncertain significance (2). Last evaluated 2025-01-29.

Conditions:
BCOR-related disorder. Also called: BCOR-related disorders; BCOR-related condition.
Oculofaciocardiodental syndrome (MCOPS2). Identifiers: Orphanet 2712, MedGen C1846265, MONDO:0010261, OMIM 300166.

Allele frequency attached by ClinVar (database versions not stated): gnomAD exomes 0.00001 and 0.00002; TOPMed 0.00001; gnomAD 0.00002.
gnomAD v4.1: 29 of 1,209,898 alleles (0.0024%); highest among the groups gnomAD compares: Non-Finnish European, 0.003%; no homozygotes.

Submissions (2):

PreventionGenetics, part of Exact Sciences
Classification: Uncertain significance for BCOR-related condition. Last evaluated: 2025-01-29. Review status: criteria provided, single submitter. Criteria: ACMG Guidelines, 2015. Collection method: clinical testing. Allele origin: germline.
Comment: The BCOR c.520G>A variant is predicted to result in the amino acid substitution p.Asp174Asn. To our knowledge, this variant has not been reported in the literature. This variant is reported in 0.0032% of alleles in individuals of European (Non-Finnish) descent in gnomAD, including two hemizygous individuals. Although we suspect that this variant may be benign, at this time, the clinical significance of this variant is uncertain due to the absence of conclusive functional and genetic evidence.

Labcorp Genetics (formerly Invitae), Labcorp
Classification: Uncertain significance for Oculofaciocardiodental syndrome. Last evaluated: 2022-07-26. Review status: criteria provided, single submitter. Criteria: Invitae Variant Classification Sherloc (09022015). Collection method: clinical testing. Allele origin: germline.
Comment: In summary, the available evidence is currently insufficient to determine the role of this variant in disease. Therefore, it has been classified as a Variant of Uncertain Significance. Algorithms developed to predict the effect of missense changes on protein structure and function are either unavailable or do not agree on the potential impact of this missense change (SIFT: "Deleterious"; PolyPhen-2: "Probably Damaging"; Align-GVGD: "Class C15"). ClinVar contains an entry for this variant (Variation ID: 579931). This variant has not been reported in the literature in individuals affected with BCOR-related conditions. This variant is present in population databases (no rsID available, gnomAD 0.003%). This sequence change replaces aspartic acid, which is acidic and polar, with asparagine, which is neutral and polar, at codon 174 of the BCOR protein (p.Asp174Asn).